The following is an entry in ClinVar:

ClinVar aggregate classification (germline): Uncertain significance. Review status: criteria provided, multiple submitters, no conflicts (2 of 4 stars). 2 submissions from 2 submitters: Uncertain significance (2). Last evaluated 2025-04-01.

Allele frequency attached by ClinVar (database versions not stated): TOPMed 0.00053; 1000 Genomes Project 30x 0.00078; gnomAD exomes 0.00007; ExAC 0.00021; 1000 Genomes Project 0.00060; ESP Exome Variant Server 0.00062; gnomAD 0.00042.
gnomAD v4.1: 160 of 1,614,120 alleles (0.0099%); highest among the groups gnomAD compares: African/African-American, 0.17%; no homozygotes.

Submissions (2):

Labcorp Genetics (formerly Invitae), Labcorp
Classification: Uncertain significance. Last evaluated: 2025-04-01. Review status: criteria provided, single submitter. Criteria: Invitae Variant Classification Sherloc (09022015). Collection method: clinical testing. Allele origin: germline.
Comment: This sequence change replaces proline, which is neutral and non-polar, with leucine, which is neutral and non-polar, at codon 192 of the NUP62 protein (p.Pro192Leu). This variant is present in population databases (rs139206027, gnomAD 0.2%), and has an allele count higher than expected for a pathogenic variant. This variant has not been reported in the literature in individuals affected with NUP62-related conditions. ClinVar contains an entry for this variant (Variation ID: 2040771). An algorithm developed to predict the effect of missense changes on protein structure and function (PolyPhen-2) suggests that this variant is likely to be tolerated. In summary, the available evidence is currently insufficient to determine the role of this variant in disease. Therefore, it has been classified as a Variant of Uncertain Significance.

Ambry Genetics
Classification: Uncertain significance. Last evaluated: 2021-10-20. Review status: criteria provided, single submitter. Criteria: Ambry Variant Classification Scheme 2023. Collection method: clinical testing. Allele origin: germline.

NM_016553.5(NUP62):c.575C>T (p.Pro192Leu)

Genes: IL4I1 (interleukin 4 induced 1; minus strand), NUP62 (nucleoporin 62; minus strand). Cytogenetic location: 19q13.33.
Variant type: single nucleotide variant.
Coding change: c.575C>T on transcript NM_016553.5 (MANE Select); coding-DNA position 575, C replaced by T.
Protein change: p.Pro192Leu; replaces proline 192 with leucine.
Molecular consequence: missense variant. On other transcripts: intron variant (3).
Genome position (GRCh38, 1-based): chr19:49,909,233, G>A on the plus strand (C>T on the coding strand, the complement: NUP62 is on the minus strand). VCF-style: chr19-49909233-G-A. GRCh37 (hg19) VCF-style: chr19-50412490-G-A.
Other names: c.575C>T, p.Pro192Leu (NM_001193357.2, NM_012346.5, NM_153718.4 and 1 more transcripts); c.-227-4912C>T (NM_001258017.2, NM_172374.3); c.-285-4912C>T (NM_001258018.2); short protein forms P192L.
Identifiers: ClinVar variation 2040771 (VCV002040771.3), dbSNP rs139206027, ClinGen allele CA9589108.